The following is an entry in ClinVar:

NM_000383.4(AIRE):c.947G>A (p.Arg316Gln)

Gene: AIRE (autoimmune regulator; plus strand). Cytogenetic location: 21q22.3.
Variant type: single nucleotide variant.
Coding change: c.947G>A on transcript NM_000383.4 (MANE Select); coding-DNA position 947, G replaced by A.
Protein change: p.Arg316Gln; replaces arginine 316 with glutamine.
Molecular consequence: missense variant.
Genome position (GRCh38, 1-based): chr21:44,291,162, G>A. VCF-style: chr21-44291162-G-A. GRCh37 (hg19) VCF-style: chr21-45711045-G-A.
Other names: short protein forms R316Q.
Identifiers: ClinVar variation 666191 (VCV000666191.5), dbSNP rs202027254, ClinGen allele CA10051863.

ClinVar aggregate classification (germline): Uncertain significance. Review status: criteria provided, multiple submitters, no conflicts (2 of 4 stars). 3 submissions from 3 submitters: Uncertain significance (2). 1 of the submissions does not count toward it. Last evaluated 2025-02-03.

Conditions:
Polyglandular autoimmune syndrome, type 1 (APS1). Also called: AUTOIMMUNE POLYENDOCRINE SYNDROME, TYPE I, WITH OR WITHOUT REVERSIBLE METAPHYSEAL DYSPLASIA; APS I; Whitaker syndrome; Autoimmune polyendocrinopathy syndrome , type I, with or without reversible metaphyseal dysplasia; Autoimmune polyendocrinopathy syndrome, type I; PGA I. Identifiers: Orphanet 3453, MedGen C0085859, MONDO:0009411, OMIM 240300.

Allele frequency attached by ClinVar (database versions not stated): ExAC 0.00003; gnomAD 0.00004; gnomAD exomes 0.00004 and 0.00016; TOPMed 0.00005.
gnomAD v4.1: 228 of 1,608,872 alleles (0.014%); highest among the groups gnomAD compares: Non-Finnish European, 0.018%; no homozygotes.

Submissions (3):

Labcorp Genetics (formerly Invitae), Labcorp
Classification: Uncertain significance for Polyglandular autoimmune syndrome, type 1. Last evaluated: 2025-02-03. Review status: criteria provided, single submitter. Criteria: Invitae Variant Classification Sherloc (09022015). Collection method: clinical testing. Allele origin: germline.
Comment: This sequence change replaces arginine, which is basic and polar, with glutamine, which is neutral and polar, at codon 316 of the AIRE protein (p.Arg316Gln). This variant is present in population databases (rs202027254, gnomAD 0.01%). This variant has not been reported in the literature in individuals affected with AIRE-related conditions. ClinVar contains an entry for this variant (Variation ID: 666191). Invitae Evidence Modeling of protein sequence and biophysical properties (such as structural, functional, and spatial information, amino acid conservation, physicochemical variation, residue mobility, and thermodynamic stability) has been performed for this missense variant. However, the output from this modeling did not meet the statistical confidence thresholds required to predict the impact of this variant on AIRE protein function. In summary, the available evidence is currently insufficient to determine the role of this variant in disease. Therefore, it has been classified as a Variant of Uncertain Significance.

Neuberg Centre For Genomic Medicine, NCGM
Classification: Uncertain significance for Polyglandular autoimmune syndrome, type 1. Review status: criteria provided, single submitter. Criteria: ACMG Guidelines, 2015. Collection method: clinical testing. Allele origin: germline. Inheritance: Autosomal recessive inheritance. Affected: yes.
Comment: The missense variant c.947G>A (p.Arg316Gln) in AIRE (NM_000383.4) gene has not been reported previously as a pathogenic variant nor as a benign variant, to our knowledge. The p.Arg316Gln variant is reported with the allele frequency (0.004490%) in the gnomad and novel in 1000 genome database. This variant has been reported to ClinVar database as Variant of Uncertain Significance (VUS). The amino acid Arg at position 316 is changed to a Gln changing protein sequence and it might alter its composition and physico-chemical properties. The variant is predicted to be damaging by both SIFT and PolyPhen2. The residue is conserved across species. The amino acid change p.Arg316Gln in AIRE is predicted as conserved by GERP++ and PhyloP across 100 vertebrates. For these reasons, this variant has been classified as Uncertain Significance. In the absence of another reportable variant the molecular diagnosis is not confirmed.

Natera, Inc.
Classification: Uncertain significance for Polyglandular autoimmune syndrome type 1. Last evaluated: 2020-09-16. Review status: no assertion criteria provided. Collection method: clinical testing. Allele origin: germline. Not counted in ClinVar's aggregate classification.